The following is an entry in ClinVar:

ClinVar aggregate classification (germline): Uncertain significance (1 of 4 stars; one submission).

Conditions:
Inborn genetic diseases. Identifiers: MedGen C0950123, MeSH D030342.

Submission:

Ambry Genetics
Classification: Uncertain significance for Inborn genetic diseases. Last evaluated: 2026-03-03. Review status: criteria provided, single submitter. Criteria: Ambry Variant Classification Scheme 2023. Collection method: clinical testing. Allele origin: germline.
Comment: The p.Y1118S variant (also known as c.3353A>C), located in coding exon 1 of the SAMD9 gene, results from an A to C substitution at nucleotide position 3353. The tyrosine at codon 1118 is replaced by serine, an amino acid with dissimilar properties. This amino acid position is conserved. In addition, this alteration is predicted to be tolerated by in silico analysis. Based on the available evidence, the clinical significance of this variant remains unclear.

NM_017654.4(SAMD9):c.3353A>C (p.Tyr1118Ser)

Gene: SAMD9 (sterile alpha motif domain containing 9; minus strand). Cytogenetic location: 7q21.2.
Variant type: single nucleotide variant.
Coding change: c.3353A>C on transcript NM_017654.4 (MANE Select); coding-DNA position 3353, A replaced by C.
Protein change: p.Tyr1118Ser; replaces tyrosine 1118 with serine.
Molecular consequence: missense variant.
Genome position (GRCh38, 1-based): chr7:93,102,745, T>G on the plus strand (A>C on the coding strand, the complement: SAMD9 is on the minus strand). VCF-style: chr7-93102745-T-G. GRCh37 (hg19) VCF-style: chr7-92732058-T-G.
Other names: c.3353A>C, p.Tyr1118Ser (NM_001193307.2); short protein forms Y1118S.
Identifiers: ClinVar variation 4827019 (VCV004827019.1).